The following is an entry in ClinVar:

ClinVar aggregate classification (germline): Conflicting classifications of pathogenicity. Review status: criteria provided, conflicting classifications (1 of 4 stars). 8 submissions from 8 submitters: Uncertain significance (6); Likely benign (1). 1 of the submissions does not count toward it. Last evaluated 2025-09-30.

Conditions:
TTN-related disorder. Also called: TTN-related condition; TTN-related disease; TTN-related disorders.
Dilated cardiomyopathy 1G (CMD1G). Identifiers: Orphanet 154, MedGen C1858763, MONDO:0011400, OMIM 604145.
Autosomal recessive limb-girdle muscular dystrophy type 2J (LGMDR10). Also called: Limb-girdle muscular dystrophy, type 2J; MUSCULAR DYSTROPHY, LIMB-GIRDLE, AUTOSOMAL RECESSIVE 10. Identifiers: Orphanet 140922, MedGen C1837342, MONDO:0012127, OMIM 608807.
Early-onset myopathy with fatal cardiomyopathy (CMYO5). Also called: Salih Myopathy; CONGENITAL MYOPATHY 5 WITH CARDIOMYOPATHY. Identifiers: Orphanet 289377, MedGen C2673677, MONDO:0012714, OMIM 611705. Disease mechanism: loss of function.
Tibial muscular dystrophy (TMD). Also called: Tibial muscular dystrophy, tardive; Udd Distal Myopathy – Tibial Muscular Dystrophy; UDD MYOPATHY. Identifiers: Orphanet 609, MedGen C1838244, MONDO:0010870, OMIM 600334.
Myopathy, myofibrillar, 9, with early respiratory failure (MFM9). Also called: Myopathy, distal, with early respiratory failure, autosomal dominant; MYOPATHY, PROXIMAL, WITH EARLY RESPIRATORY MUSCLE INVOLVEMENT; Hereditary myopathy with early respiratory failure; EDSTROM MYOPATHY. Identifiers: Orphanet 178464, Orphanet 34521, MedGen C1863599, MONDO:0011362, OMIM 603689.
Hypertrophic cardiomyopathy 9. Also called: Familial hypertrophic cardiomyopathy 9. Identifiers: MedGen C1861065, MONDO:0013412, OMIM 613765.

Allele frequency attached by ClinVar (database versions not stated): ExAC 0.00003; gnomAD 0.00003; gnomAD exomes 0.00004; TOPMed 0.00005.
gnomAD v4.1: 28 of 1,612,418 alleles (0.0017%); highest among the groups gnomAD compares: Admixed American, 0.017%; no homozygotes.

Submissions (8):

PreventionGenetics, part of Exact Sciences
Classification: Uncertain significance for TTN-related condition. Last evaluated: 2025-09-30. Review status: criteria provided, single submitter. Criteria: ACMG Guidelines, 2015. Collection method: clinical testing. Allele origin: germline.
Comment: The TTN c.57508G>A variant is predicted to result in the amino acid substitution p.Gly19170Arg. To our knowledge, this variant has not been reported in the literature. This variant is reported in 0.020% of alleles in individuals of Latino descent in gnomAD. At this time, the clinical significance of this variant is uncertain due to the absence of conclusive functional and genetic evidence.

Women's Health and Genetics/Laboratory Corporation of America, LabCorp
Classification: Uncertain significance. Last evaluated: 2025-07-24. Review status: criteria provided, single submitter. Criteria: LabCorp Variant Classification Summary - May 2015. Collection method: clinical testing. Allele origin: germline.
Comment: Variant summary: TTN c.49804G>A (p.Gly16602Arg) results in a non-conservative amino acid change in the encoded protein sequence. Algorithms developed to predict the effect of missense changes on protein structure and function all suggest that this variant is likely to be disruptive. The variant allele was found at a frequency of 4.4e-05 in 247226 control chromosomes. This frequency is not significantly higher than estimated for a pathogenic variant in TTN causing Dilated Cardiomyopathy (4.4e-05 vs 0.00039), allowing no conclusion about variant significance. To our knowledge, no occurrence of c.49804G>A in individuals affected with Dilated Cardiomyopathy and no experimental evidence demonstrating its impact on protein function have been reported. ClinVar contains an entry for this variant (Variation ID: 202729). Based on the evidence outlined above, the variant was classified as uncertain significance.

Mayo Clinic Laboratories, Mayo Clinic
Classification: Uncertain significance. Last evaluated: 2025-05-04. Review status: criteria provided, single submitter. Criteria: ACMG Guidelines, 2015. Collection method: clinical testing. Allele origin: germline. Observed: 2 variant alleles.
Comment: PP3

ARUP Laboratories, Molecular Genetics and Genomics, ARUP Laboratories
Classification: Uncertain significance. Last evaluated: 2025-02-25. Review status: criteria provided, single submitter. Criteria: ARUP Molecular Germline Variant Investigation Process 2024. Collection method: clinical testing. Allele origin: germline.
Comment: The TTN c.57508G>A; p.Gly19170Arg variant (rs750947988; ClinVar Variation ID: 202729) is rare in the general population (<0.2% allele frequency in the Genome Aggregation Database) and has not been reported in the medical literature in association with dilated cardiomyopathy (DCM) or other TTN-related disease. The clinical relevance of rare missense variants in this gene, which are identified on average once per individual sequenced in affected populations (Herman 2012), is not well understood. Yet, evidence suggests that the vast majority of such missense variants do not contribute to the clinical outcome of DCM (Begay 2015). Thus, the clinical significance of the p.Gly19170Arg variant cannot be determined with certainty. References: Begay RL et al. Role of Titin Missense Variants in Dilated Cardiomyopathy. J Am Heart Assoc. 2015 Nov 13;4(11). PMID: 26567375. Herman DS et al. Truncations of titin causing dilated cardiomyopathy. N Engl J Med. 2012 Feb 16;366(7):619-28. PMID: 22335739. Linke WA and Hamdani N. Gigantic business: titin properties and function through thick and thin. Circ Res 2014; 114(6): 1052-1068. PMID: 24625729.

Blueprint Genetics
Classification: Likely benign. Last evaluated: 2024-09-05. Review status: criteria provided, single submitter. Criteria: ACMG Guidelines, 2015. Collection method: clinical testing. Allele origin: germline.

Fulgent Genetics
Classification: Uncertain significance for Tibial muscular dystrophy; Myopathy, myofibrillar, 9, with early respiratory failure; Dilated cardiomyopathy 1G; Autosomal recessive limb-girdle muscular dystrophy type 2J; Early-onset myopathy with fatal cardiomyopathy; Hypertrophic cardiomyopathy 9. Last evaluated: 2021-10-10. Review status: criteria provided, single submitter. Criteria: ACMG Guidelines, 2015. Collection method: clinical testing. Allele origin: unknown.

Labcorp Genetics (formerly Invitae), Labcorp
Classification: Uncertain significance for Dilated cardiomyopathy 1G; Autosomal recessive limb-girdle muscular dystrophy type 2J. Last evaluated: 2017-09-09. Review status: criteria provided, single submitter. Criteria: Invitae Variant Classification Sherloc (09022015). Collection method: clinical testing. Allele origin: germline.

GeneDx
No classification provided. Last evaluated: 2013-11-25. Review status: no classification provided. Criteria: GeneDx Variant Classification (06012015). Collection method: clinical testing. Allele origin: germline. Affected: yes. Not counted in ClinVar's aggregate classification.
Comment: Missense variants in the TTN gene are considered 'unclassified' if they are not previously reported in the literature and do not have >1% frequency in the population to be considered a polymorphism. Research indicates that truncating mutations in the TTN gene are expected to account for approximately 25% of familial and 18% of sporadic idiopathic DCM; however, truncating variants in the TTN gene have been reported in approximately 3% of reported control alleles. There has been little investigation into non-truncating variants. (Herman D et al. Truncations of titin causing dilated cardiomyopathy. N Eng J Med 366:619-628, 2012) The variant is found in DCM-CRDM panel(s).

NM_001267550.2(TTN):c.57508G>A (p.Gly19170Arg)

Genes: TTN (titin; minus strand), TTN-AS1 (TTN antisense RNA 1; plus strand). Cytogenetic location: 2q31.2.
Variant type: single nucleotide variant.
Coding change: c.57508G>A on transcript NM_001267550.2 (MANE Select); coding-DNA position 57508, G replaced by A.
Protein change: p.Gly19170Arg; replaces glycine 19170 with arginine.
Molecular consequence: missense variant.
Genome position (GRCh38, 1-based): chr2:178,597,574, C>T on the plus strand (G>A on the coding strand, the complement: TTN is on the minus strand). VCF-style: chr2-178597574-C-T. GRCh37 (hg19) VCF-style: chr2-179462301-C-T.
Other names: p.G17529R:GGA>AGA; p.Gly16602Arg; p.Gly17529Arg; c.52585G>A, p.Gly17529Arg (NM_001256850.1); c.30313G>A, p.Gly10105Arg (NM_003319.4); c.49804G>A, p.Gly16602Arg (NM_133378.4); c.30688G>A, p.Gly10230Arg (NM_133432.3); c.30889G>A, p.Gly10297Arg (NM_133437.4); short protein forms G17529R, G19170R, G10105R, G16602R, G10230R, G10297R.
Identifiers: ClinVar variation 202729 (VCV000202729.14), dbSNP rs750947988, ClinGen allele CA310107.